The following is an entry in ClinVar:

ClinVar aggregate classification (germline): Uncertain significance (1 of 4 stars; one submission).

Conditions:
Hypophosphatemic nephrolithiasis/osteoporosis 1. Identifiers: Orphanet 244305, MedGen C2676786, MONDO:0012850, OMIM 612286.

Allele frequency attached by ClinVar (database versions not stated): gnomAD exomes below 0.00001.
gnomAD v4.1: 2 of 1,614,038 alleles (0.00012%); highest among the groups gnomAD compares: Non-Finnish European, 0.00017%; no homozygotes.

Submission:

Neuberg Centre For Genomic Medicine, NCGM
Classification: Uncertain significance for Hypophosphatemic nephrolithiasis/osteoporosis 1. Review status: criteria provided, single submitter. Criteria: ACMG Guidelines, 2015. Collection method: clinical testing. Allele origin: germline. Inheritance: Autosomal dominant inheritance. Affected: yes.
Comment: The missense variant c.1052G>A (p.Gly351Glu) in the SLC34A1 gene has not been reported previously as a pathogenic variant nor as a benign variant, to our knowledge. This variant is absent in the gnomAD Exomes. The amino acid Glycine at position 351 is changed to a Glutamic Acid changing protein sequence and it might alter its composition and physico-chemical properties. Multiple lines of computational evidence (Polyphen - Damaging, SIFT - Damaging and MutationTaster - Disease causing) predict a damaging effect on protein structure and function for this variant. The amino acid change p.Gly351Glu in SLC34A1 is predicted as conserved by GERP++ and PhyloP across 100 vertebrates. For these reasons, this variant has been classified as Uncertain Significance.

NM_003052.5(SLC34A1):c.1052G>A (p.Gly351Glu)

Gene: SLC34A1 (solute carrier family 34 member 1; plus strand). Cytogenetic location: 5q35.3.
Variant type: single nucleotide variant.
Coding change: c.1052G>A on transcript NM_003052.5 (MANE Select); coding-DNA position 1052, G replaced by A.
Protein change: p.Gly351Glu; replaces glycine 351 with glutamic acid.
Molecular consequence: missense variant.
Genome position (GRCh38, 1-based): chr5:177,394,073, G>A. VCF-style: chr5-177394073-G-A. GRCh37 (hg19) VCF-style: chr5-176821074-G-A.
Other names: short protein forms G351E.
Identifiers: ClinVar variation 3242163 (VCV003242163.1), dbSNP rs2481023012.